The following is an entry in ClinVar:

ClinVar aggregate classification (germline): Uncertain significance (1 of 4 stars; one submission).

Conditions:
Ataxia-telangiectasia syndrome (AT). Also called: LOUIS-BAR SYNDROME; Cerebello-oculocutaneous telangiectasia; Immunodeficiency with ataxia telangiectasia; Ataxia telangiectasia (A-T); Ataxia-telangiectasia, complementation group D; AT, COMPLEMENTATION GROUP C. Identifiers: Orphanet 100, MedGen C0004135, MONDO:0008840, OMIM 208900.

Submission:

Labcorp Genetics (formerly Invitae), Labcorp
Classification: Uncertain significance for Ataxia-telangiectasia syndrome. Last evaluated: 2020-11-23. Review status: criteria provided, single submitter. Criteria: Invitae Variant Classification Sherloc (09022015). Collection method: clinical testing. Allele origin: germline.
Comment: In summary, the available evidence is currently insufficient to determine the role of this variant in disease. Therefore, it has been classified as a Variant of Uncertain Significance. Advanced modeling of protein sequence and biophysical properties (such as structural, functional, and spatial information, amino acid conservation, physicochemical variation, residue mobility, and thermodynamic stability) performed at Invitae indicates that this missense variant is expected to disrupt ATM protein function. This variant has not been reported in the literature in individuals with ATM-related conditions. This variant is not present in population databases (ExAC no frequency). This sequence change replaces leucine with serine at codon 2447 of the ATM protein (p.Leu2447Ser). The leucine residue is moderately conserved and there is a large physicochemical difference between leucine and serine.

NM_000051.4(ATM):c.7340T>C (p.Leu2447Ser)

Genes: C11orf65 (chromosome 11 open reading frame 65; minus strand), ATM (ATM serine/threonine kinase; plus strand). Cytogenetic location: 11q22.3.
Variant type: single nucleotide variant.
Coding change: c.7340T>C on transcript NM_000051.4 (MANE Select); coding-DNA position 7340, T replaced by C.
Protein change: p.Leu2447Ser; replaces leucine 2447 with serine.
Molecular consequence: missense variant. On other transcripts: intron variant (2).
Genome position (GRCh38, 1-based): chr11:108,330,246, T>C. VCF-style: chr11-108330246-T-C. GRCh37 (hg19) VCF-style: chr11-108200973-T-C.
Other names: c.7340T>C, p.Leu2447Ser (NM_001351834.2); c.641-21175A>G (NM_001330368.2); c.*38+4974A>G (NM_001351110.2); short protein forms L2447S.
Identifiers: ClinVar variation 1487831 (VCV001487831.8), dbSNP rs2136453754, ClinGen allele CA382559919.